The following is an entry in ClinVar:

NM_138694.4(PKHD1):c.5115_5116insTATAAGAGACA (p.Val1706fs)

Genes: PKHD1 (PKHD1 ciliary IPT domain containing fibrocystin/polyductin; minus strand), LOC126859690 (MED14-independent group 3 enhancer GRCh37_chr6:51888848-51890047; plus strand). Cytogenetic location: 6p12.2.
Variant type: Insertion.
Coding change: c.5115_5116insTATAAGAGACA on transcript NM_138694.4 (MANE Select); coding-DNA positions 5115 to 5116, TATAAGAGACA inserted.
Protein change: p.Val1706fs; shifts the reading frame from valine 1706.
Molecular consequence: frameshift variant.
Genome position: GRCh38 VCF-style: chr6-52024694-C-CTGTCTCTTATA. GRCh37 (hg19) VCF-style: chr6-51889492-C-CTGTCTCTTATA.
Other names: c.5115_5116insTATAAGAGACA, p.Val1706fs (NM_170724.3); short protein forms V1706fs.
Identifiers: ClinVar variation 1726955 (VCV001726955.2), dbSNP rs2532687516, ClinGen allele CA2580075518.

ClinVar aggregate classification (germline): Likely pathogenic (1 of 4 stars; one submission).

Conditions:
Polycystic kidney disease 4 (PKD4). Also called: POLYCYSTIC KIDNEY AND HEPATIC DISEASE 1; POLYCYSTIC KIDNEY DISEASE, INFANTILE, TYPE I; POLYCYSTIC KIDNEY DISEASE 4 WITH OR WITHOUT POLYCYSTIC LIVER DISEASE; PKD3; Autosomal Recessive Polycystic Kidney Disease – PKHD1. Identifiers: MedGen C4540575, MONDO:0033004, OMIM 263200.

Submission:

Myriad Genetics, Inc.
Classification: Likely pathogenic for Polycystic kidney disease 4. Last evaluated: 2022-01-02. Review status: criteria provided, single submitter. Criteria: Myriad Women's Health Autosomal Recessive and X-Linked Classification Criteria (2021). Collection method: clinical testing. Allele origin: unknown.
Comment: NM_138694.3(PKHD1):c.5115_5116ins11(V1706Yfs*40) is expected to be pathogenic in the context of autosomal recessive polycystic kidney disease, PKHD1-related. This variant is predicted to lead to an abnormal or absent protein product due to the creation of a premature termination codon in PKHD1, a gene where loss-of-function variants are known to be pathogenic. Please note: this variant was assessed in the context of healthy population screening.